The following is an entry in ClinVar:

ClinVar aggregate classification (germline): Likely benign. Review status: criteria provided, single submitter (1 of 4 stars). 2 submissions from 2 submitters: Likely benign (1). 1 of the submissions does not count toward it. Last evaluated 2025-12-01.

Conditions:
Epileptic encephalopathy. Identifiers: MedGen C0543888, HP:0200134.
FASN-related disorder. Also called: FASN-related condition.

Allele frequency attached by ClinVar (database versions not stated): ESP Exome Variant Server 0.00031; gnomAD 0.00031 and 0.00039; TOPMed 0.00027; 1000 Genomes Project 0.00060; ExAC 0.00069; 1000 Genomes Project 30x 0.00094.
gnomAD v4.1: 833 of 1,606,946 alleles (0.052%); highest among the groups gnomAD compares: South Asian, 0.27%; 1 homozygote.

Submissions (2):

Labcorp Genetics (formerly Invitae), Labcorp
Classification: Likely benign for Epileptic encephalopathy. Last evaluated: 2025-12-01. Review status: criteria provided, single submitter. Criteria: Invitae Variant Classification Sherloc (09022015). Collection method: clinical testing. Allele origin: germline.

PreventionGenetics, part of Exact Sciences
Classification: Likely benign for FASN-related condition. Last evaluated: 2021-03-19. Review status: no assertion criteria provided. Collection method: clinical testing. Allele origin: germline. Not counted in ClinVar's aggregate classification.
Comment: This variant is classified as likely benign based on ACMG/AMP sequence variant interpretation guidelines (Richards et al. 2015 PMID: 25741868, with internal and published modifications).

NM_004104.5(FASN):c.3232G>A (p.Val1078Met)

Gene: FASN (fatty acid synthase; minus strand). Cytogenetic location: 17q25.3.
Variant type: single nucleotide variant.
Coding change: c.3232G>A on transcript NM_004104.5 (MANE Select); coding-DNA position 3232, G replaced by A.
Protein change: p.Val1078Met; replaces valine 1078 with methionine.
Molecular consequence: missense variant.
Genome position (GRCh38, 1-based): chr17:82,087,245, C>T on the plus strand (G>A on the coding strand, the complement: FASN is on the minus strand). VCF-style: chr17-82087245-C-T. GRCh37 (hg19) VCF-style: chr17-80045121-C-T.
Other names: short protein forms V1078M.
Identifiers: ClinVar variation 531083 (VCV000531083.13), dbSNP rs146146551, ClinGen allele CA8852458.